The following is an entry in ClinVar:

NM_020778.5(ALPK3):c.2861C>T (p.Pro954Leu)

Gene: ALPK3 (alpha kinase 3; plus strand). Cytogenetic location: 15q25.3.
Variant type: single nucleotide variant.
Coding change: c.2861C>T on transcript NM_020778.5 (MANE Select); coding-DNA position 2861, C replaced by T.
Protein change: p.Pro954Leu; replaces proline 954 with leucine.
Molecular consequence: missense variant.
Genome position (GRCh38, 1-based): chr15:84,857,599, C>T. VCF-style: chr15-84857599-C-T. GRCh37 (hg19) VCF-style: chr15-85400830-C-T.
Other names: short protein forms P954L.
Identifiers: ClinVar variation 3227470 (VCV003227470.3), dbSNP rs761003606, ClinGen allele CA7709510.
Genomic context (GRCh38, chr15:84,857,599, plus strand): 5'-GGGCCTGCGCCCAGGTACCAGATGTGGAGGGGCGGACCCCAGGTCCCCGGAGCTGTGACC[C>T]TGGCCTCATAGATTCCCTGAAGAACTACCTGCTTCTGCTGCTGAAGCTGTCCAGCACAGA-3'
Protein context (NP_065829.4, residues 944-964): GRTPGPRSCD[Pro954Leu]GLIDSLKNYL

ClinVar aggregate classification (germline): Uncertain significance. Review status: criteria provided, multiple submitters, no conflicts (2 of 4 stars). 2 submissions from 2 submitters: Uncertain significance (2). Last evaluated 2025-01-08.

Conditions:
Cardiovascular phenotype. Identifiers: MedGen CN230736.

Allele frequency attached by ClinVar (database versions not stated): ExAC 0.00001; gnomAD exomes 0.00001.
gnomAD v4.1: 5 of 1,575,310 alleles (0.00032%); highest among the groups gnomAD compares: East Asian, 0.011%; no homozygotes.

Submissions (2):

Labcorp Genetics (formerly Invitae), Labcorp
Classification: Uncertain significance. Last evaluated: 2025-01-08. Review status: criteria provided, single submitter. Criteria: Invitae Variant Classification Sherloc (09022015). Collection method: clinical testing. Allele origin: germline.
Comment: This sequence change replaces proline, which is neutral and non-polar, with leucine, which is neutral and non-polar, at codon 1156 of the ALPK3 protein (p.Pro1156Leu). This variant is present in population databases (rs761003606, gnomAD 0.006%). This variant has not been reported in the literature in individuals affected with ALPK3-related conditions. ClinVar contains an entry for this variant (Variation ID: 3227470). Invitae Evidence Modeling of protein sequence and biophysical properties (such as structural, functional, and spatial information, amino acid conservation, physicochemical variation, residue mobility, and thermodynamic stability) indicates that this missense variant is expected to disrupt ALPK3 protein function with a positive predictive value of 80%. In summary, the available evidence is currently insufficient to determine the role of this variant in disease. Therefore, it has been classified as a Variant of Uncertain Significance.

Ambry Genetics
Classification: Uncertain significance for Cardiovascular phenotype. Last evaluated: 2024-01-16. Review status: criteria provided, single submitter. Criteria: Ambry Variant Classification Scheme 2023. Collection method: clinical testing. Allele origin: germline.
Comment: The p.P1156L variant (also known as c.3467C>T), located in coding exon 6 of the ALPK3 gene, results from a C to T substitution at nucleotide position 3467. The proline at codon 1156 is replaced by leucine, an amino acid with similar properties. This amino acid position is conserved. In addition, the in silico prediction for this alteration is inconclusive. Since supporting evidence is limited at this time, the clinical significance of this alteration remains unclear.